The following is an entry in ClinVar:

ClinVar aggregate classification (germline): Uncertain significance (1 of 4 stars; one submission).

Conditions:
SEMA3E-related disorder. Also called: SEMA3E-related condition.

Submission:

PreventionGenetics, part of Exact Sciences
Classification: Uncertain significance for SEMA3E-related condition. Last evaluated: 2026-07-28. Review status: criteria provided, single submitter. Criteria: ACMG Guidelines, 2015. Collection method: clinical testing. Allele origin: germline.
Comment: The SEMA3E c.1394C>G variant is predicted to result in the amino acid substitution p.Thr465Arg. To our knowledge, this variant has not been reported in the literature or in a large population database (gnomAD), indicating this variant is rare. At this time, the clinical significance of this variant is uncertain due to the absence of conclusive functional and genetic evidence.

NM_012431.3(SEMA3E):c.1394C>G (p.Thr465Arg)

Gene: SEMA3E (semaphorin 3E; minus strand). Cytogenetic location: 7q21.11.
Variant type: single nucleotide variant.
Coding change: c.1394C>G on transcript NM_012431.3 (MANE Select); coding-DNA position 1394, C replaced by G.
Protein change: p.Thr465Arg; replaces threonine 465 with arginine.
Molecular consequence: missense variant.
Genome position (GRCh38, 1-based): chr7:83,396,702, G>C on the plus strand (C>G on the coding strand, the complement: SEMA3E is on the minus strand). VCF-style: chr7-83396702-G-C. GRCh37 (hg19) VCF-style: chr7-83026018-G-C.
Other names: c.1214C>G, p.Thr405Arg (NM_001178129.2); short protein forms T405R, T465R.
Identifiers: ClinVar variation 4991782 (VCV004991782.1).